The following is an entry in ClinVar:

ClinVar aggregate classification (germline): Uncertain significance (1 of 4 stars; one submission).

Submission:

Medical Genetic Center, Changzhi Maternal and Child Health Care Hospital
Classification: Uncertain significance. Last evaluated: 2025-12-10. Review status: criteria provided, single submitter. Criteria: ACMG/ClinGen CNV Guidelines, 2019. Collection method: clinical testing. Allele origin: unknown.
Comment: 22q11.2 recurrent region (distal type II, E-F) (TI =1)

GRCh38/hg38 22q11.22-11.23(chr22:22655458-23308684)x3

Genes: BCR (BCR activator of RhoGEF and GTPase; plus strand), GNAZ (G protein subunit alpha z; plus strand), IGL (immunoglobulin lambda locus; plus strand), IGLC1 (immunoglobulin lambda constant 1; plus strand), IGLC2 (immunoglobulin lambda constant 2; plus strand) and 78 more. Cytogenetic location: 22q11.22-11.23.
Variant type: copy number gain.
Change: copy number 3 (three copies instead of two) of chr22:22,655,458-23,308,684 (653.2 kb, GRCh38 coordinates, 1-based), cytogenetic band 22q11.22-11.23.
Identifiers: ClinVar variation 4796113 (VCV004796113.1).